The following is an entry in ClinVar:

NM_001204.7(BMPR2):c.2723A>G (p.Asn908Ser)

Gene: BMPR2 (bone morphogenetic protein receptor type 2; plus strand). Cytogenetic location: 2q33.2.
Variant type: single nucleotide variant.
Coding change: c.2723A>G on transcript NM_001204.7 (MANE Select); coding-DNA position 2723, A replaced by G.
Protein change: p.Asn908Ser; replaces asparagine 908 with serine.
Molecular consequence: missense variant.
Genome position (GRCh38, 1-based): chr2:202,556,388, A>G. VCF-style: chr2-202556388-A-G. GRCh37 (hg19) VCF-style: chr2-203421111-A-G.
Other names: short protein forms N908S.
Identifiers: ClinVar variation 4867583 (VCV004867583.1).
Genomic context (GRCh38, chr2:202,556,388, plus strand): 5'-TGGACAGGAGGGAACGGCCACTAGAAGGTGGCCGAACTAATTCCAATAACAACAACAGCA[A>G]TCCATGTTCAGAACAAGATGTTCTTGCACAGGGTGTTCCAAGCACAGCAGCAGATCCTGG-3'
Protein context (NP_001195.2, residues 898-918): GRTNSNNNNS[Asn908Ser]PCSEQDVLAQ

ClinVar aggregate classification (germline): Uncertain significance (1 of 4 stars; one submission).

Conditions:
Inborn genetic diseases. Identifiers: MedGen C0950123, MeSH D030342.

gnomAD v4.1: 3 of 1,614,210 alleles (0.00019%); highest among the groups gnomAD compares: South Asian, 0.0011%; no homozygotes.

Submission:

Ambry Genetics
Classification: Uncertain significance for Inborn genetic diseases. Last evaluated: 2026-03-23. Review status: criteria provided, single submitter. Criteria: Ambry Variant Classification Scheme 2023. Collection method: clinical testing. Allele origin: germline.
Comment: The p.N908S variant (also known as c.2723A>G), located in coding exon 12 of the BMPR2 gene, results from an A to G substitution at nucleotide position 2723. The asparagine at codon 908 is replaced by serine, an amino acid with highly similar properties. This amino acid position is conserved. In addition, this alteration is predicted to be tolerated by in silico analysis. Based on the available evidence, the clinical significance of this variant remains unclear.